The following is an entry in ClinVar:

NM_000215.4(JAK3):c.1763A>C (p.His588Pro)

Gene: JAK3 (Janus kinase 3; minus strand). Cytogenetic location: 19p13.11.
Variant type: single nucleotide variant.
Coding change: c.1763A>C on transcript NM_000215.4 (MANE Select); coding-DNA position 1763, A replaced by C.
Protein change: p.His588Pro; replaces histidine 588 with proline.
Molecular consequence: missense variant.
Genome position (GRCh38, 1-based): chr19:17,837,152, T>G on the plus strand (A>C on the coding strand, the complement: JAK3 is on the minus strand). VCF-style: chr19-17837152-T-G. GRCh37 (hg19) VCF-style: chr19-17947961-T-G.
Other names: short protein forms H588P.
Identifiers: ClinVar variation 1009178 (VCV001009178.6), dbSNP rs1207883288, ClinGen allele CA404769116.

ClinVar aggregate classification (germline): Uncertain significance (1 of 4 stars; one submission).

Conditions:
T-B+ severe combined immunodeficiency due to JAK3 deficiency. Also called: SCID, T CELL-NEGATIVE, B CELL-POSITIVE, NK CELL-NEGATIVE; SCID, autosomal recessive, T-negative/B-positive type. Identifiers: Orphanet 35078, MedGen C1833275, MONDO:0010938, OMIM 600802.

Submission:

Labcorp Genetics (formerly Invitae), Labcorp
Classification: Uncertain significance for T-B+ severe combined immunodeficiency due to JAK3 deficiency. Last evaluated: 2021-08-31. Review status: criteria provided, single submitter. Criteria: Invitae Variant Classification Sherloc (09022015). Collection method: clinical testing. Allele origin: germline.
Comment: This sequence change replaces histidine with proline at codon 588 of the JAK3 protein (p.His588Pro). The histidine residue is moderately conserved and there is a moderate physicochemical difference between histidine and proline. This variant is not present in population databases (ExAC no frequency). This missense change has been observed in individual(s) with severe combined immunodeficiency (PMID: 28747913). Algorithms developed to predict the effect of missense changes on protein structure and function are either unavailable or do not agree on the potential impact of this missense change (SIFT: "Deleterious"; PolyPhen-2: "Possibly Damaging"; Align-GVGD: "Class C0"). In summary, the available evidence is currently insufficient to determine the role of this variant in disease. Therefore, it has been classified as a Variant of Uncertain Significance.

Literature cited by the submitters: PubMed 28747913.